The following is an entry in ClinVar:

ClinVar aggregate classification (germline): Likely benign. Review status: criteria provided, multiple submitters, no conflicts (2 of 4 stars). 2 submissions from 2 submitters: Likely benign (2). Last evaluated 2026-01-15.

Conditions:
Hereditary spastic paraplegia 50 (SPG50). Also called: Spastic paraplegia 50, autosomal recessive. Identifiers: Orphanet 280763, MedGen C2752008, MONDO:0013048, OMIM 612936.
AP4M1-related disorder. Also called: AP4M1-related condition.

Allele frequency attached by ClinVar (database versions not stated): TOPMed 0.00003.
gnomAD v4.1: 81 of 1,613,896 alleles (0.005%); highest among the groups gnomAD compares: Admixed American, 0.14%; no homozygotes.

Submissions (2):

Labcorp Genetics (formerly Invitae), Labcorp
Classification: Likely benign for Hereditary spastic paraplegia 50. Last evaluated: 2026-01-15. Review status: criteria provided, single submitter. Criteria: Invitae Variant Classification Sherloc (09022015). Collection method: clinical testing. Allele origin: germline.

PreventionGenetics, part of Exact Sciences
Classification: Likely benign for AP4M1-related condition. Last evaluated: 2024-12-16. Review status: criteria provided, single submitter. Criteria: ACMG Guidelines, 2015. Collection method: clinical testing. Allele origin: germline.
Comment: This variant is classified as likely benign based on ACMG/AMP sequence variant interpretation guidelines (Richards et al. 2015 PMID: 25741868, with internal and published modifications).

NM_004722.4(AP4M1):c.1238G>T (p.Arg413Leu)

Gene: AP4M1 (adaptor related protein complex 4 subunit mu 1; plus strand). Cytogenetic location: 7q22.1.
Variant type: single nucleotide variant.
Coding change: c.1238G>T on transcript NM_004722.4 (MANE Select); coding-DNA position 1238, G replaced by T.
Protein change: p.Arg413Leu; replaces arginine 413 with leucine.
Molecular consequence: missense variant.
Genome position (GRCh38, 1-based): chr7:100,106,758, G>T. VCF-style: chr7-100106758-G-T. GRCh37 (hg19) VCF-style: chr7-99704381-G-T.
Other names: c.1259G>T, p.Arg420Leu (NM_001363671.2); short protein forms R413L, R420L.
Identifiers: ClinVar variation 696382 (VCV000696382.12), dbSNP rs757999633, ClinGen allele CA4375040.
Genomic context (GRCh38, chr7:100,106,758, plus strand): 5'-TCTCCACCTCGGCCTCTCCTCTGGGGCTGGGCCCTGCCAGTCTCTCCTTCGAGCTTCCCC[G>T]GCACACGTGCTCTGGCCTCCAGGTCCGATTCCTCAGGCTGGCCTTCAGGCCATGCGGCAA-3'
Protein context (NP_004713.2, residues 403-423): GPASLSFELP[Arg413Leu]HTCSGLQVRF